The following is an entry in ClinVar:

ClinVar aggregate classification (germline): Uncertain significance (1 of 4 stars; one submission).

gnomAD v4.1: 6 of 1,604,788 alleles (0.00037%); highest among the groups gnomAD compares: Admixed American, 0.0017%; no homozygotes.

Submission:

Ambry Genetics
Classification: Uncertain significance. Last evaluated: 2025-12-15. Review status: criteria provided, single submitter. Criteria: Ambry Variant Classification Scheme 2023. Collection method: clinical testing. Allele origin: germline.
Comment: The c.1692C>A (p.D564E) alteration is located in exon 14 (coding exon 13) of the NUP98 gene. This alteration results from a C to A substitution at nucleotide position 1692, causing the aspartic acid (D) at amino acid position 564 to be replaced by a glutamic acid (E). Based on data from gnomAD, the A allele has an overall frequency of 0.001% (2/247054) total alleles studied. The highest observed frequency was 0.002% (2/112840) of European (non-Finnish) alleles. Based on insufficient or conflicting evidence, the clinical significance of this alteration remains unclear.

NM_016320.5(NUP98):c.1692C>A (p.Asp564Glu)

Gene: NUP98 (nucleoporin 98 and 96 precursor; minus strand). Cytogenetic location: 11p15.4.
Variant type: single nucleotide variant.
Coding change: c.1692C>A on transcript NM_016320.5 (MANE Select); coding-DNA position 1692, C replaced by A.
Protein change: p.Asp564Glu; replaces aspartic acid 564 with glutamic acid.
Molecular consequence: missense variant. On other transcripts: non-coding transcript variant (3).
Genome position (GRCh38, 1-based): chr11:3,731,429, G>T on the plus strand (C>A on the coding strand, the complement: NUP98 is on the minus strand). VCF-style: chr11-3731429-G-T. GRCh37 (hg19) VCF-style: chr11-3752659-G-T.
Other names: c.1692C>A, p.Asp564Glu (NM_001365125.2, NM_139131.5, NM_139132.4); c.1743C>A, p.Asp581Glu (NM_001365126.2, NM_005387.7); c.1668C>A, p.Asp556Glu (NM_001365127.2); c.1641C>A, p.Asp547Glu (NM_001365128.2); c.1551C>A, p.Asp517Glu (NM_001365129.2); short protein forms D547E, D564E, D556E, D581E, D517E.
Identifiers: ClinVar variation 4828730 (VCV004828730.1).